The following is an entry in ClinVar:

ClinVar aggregate classification (germline): Benign. Review status: criteria provided, multiple submitters, no conflicts (2 of 4 stars). 3 submissions from 3 submitters: Benign (3). Last evaluated 2024-11-26.

Allele frequency attached by ClinVar (database versions not stated): 1000 Genomes Project 0.14716; 1000 Genomes Project 30x 0.14788; TOPMed 0.16596; ESP Exome Variant Server 0.17054; gnomAD 0.17466 and 0.17716.
gnomAD v4.1: 360,600 of 1,612,340 alleles (22%); highest among the groups gnomAD compares: South Asian, 25%; 43,036 homozygotes.

Submissions (3):

Blueprint Genetics
Classification: Benign. Last evaluated: 2024-11-26. Review status: criteria provided, single submitter. Criteria: ACMG Guidelines, 2015. Collection method: clinical testing. Allele origin: germline.

GeneDx
Classification: Benign. Last evaluated: 2021-06-09. Review status: criteria provided, single submitter. Criteria: GeneDx Variant Classification Process June 2021. Collection method: clinical testing. Allele origin: germline. Affected: yes.
Comment: This variant is associated with the following publications: (PMID: 16741161)

Breakthrough Genomics
Classification: Benign. Review status: criteria provided, single submitter. Criteria: ACMG Guidelines, 2015. Collection method: not provided. Allele origin: germline. Inheritance: Unknown mechanism. Affected: yes.

NM_004284.6(CHD1L):c.1050C>G (p.His350Gln)

Gene: CHD1L (chromodomain helicase DNA binding protein 1 like; plus strand). Cytogenetic location: 1q21.1.
Variant type: single nucleotide variant.
Coding change: c.1050C>G on transcript NM_004284.6 (MANE Select); coding-DNA position 1050, C replaced by G.
Protein change: p.His350Gln; replaces histidine 350 with glutamine.
Molecular consequence: missense variant. On other transcripts: non-coding transcript variant (16).
Genome position (GRCh38, 1-based): chr1:147,268,843, C>G. VCF-style: chr1-147268843-C-G. GRCh37 (hg19) VCF-style: chr1-146740502-C-G.
Other names: c.750C>G, p.His250Gln (NM_001256336.3); c.207C>G, p.His69Gln (NM_001256337.3, NM_001348456.2, NM_001348457.2 and 9 more transcripts); c.438C>G, p.His146Gln (NM_001256338.3); c.834C>G, p.His278Gln (NM_001348451.2, NM_001348452.2); c.711C>G, p.His237Gln (NM_001348453.2, NM_024568.4); c.594C>G, p.His198Gln (NM_001348454.2); c.561C>G, p.His187Gln (NM_001348455.2); short protein forms H146Q, H187Q, H198Q, H237Q, H250Q, H278Q, H350Q, H69Q.
Identifiers: ClinVar variation 1297440 (VCV001297440.4), dbSNP rs17356233, ClinGen allele CA1063523.